The following is an entry in ClinVar:

NM_000057.4(BLM):c.1936A>C (p.Ser646Arg)

Gene: BLM (BLM RecQ like helicase; plus strand). Cytogenetic location: 15q26.1.
Variant type: single nucleotide variant.
Coding change: c.1936A>C on transcript NM_000057.4 (MANE Select); coding-DNA position 1936, A replaced by C.
Protein change: p.Ser646Arg; replaces serine 646 with arginine.
Molecular consequence: missense variant.
Genome position (GRCh38, 1-based): chr15:90,763,019, A>C. VCF-style: chr15-90763019-A-C. GRCh37 (hg19) VCF-style: chr15-91306249-A-C.
Other names: c.1936A>C, p.Ser646Arg (NM_001287246.2, NM_001287247.2); c.811A>C, p.Ser271Arg (NM_001287248.2); short protein forms S271R, S646R.
Identifiers: ClinVar variation 3224138 (VCV003224138.1), dbSNP rs370293537, ClinGen allele CA393844175.

ClinVar aggregate classification (germline): Uncertain significance (1 of 4 stars; one submission).

Conditions:
Hereditary cancer-predisposing syndrome. Also called: Tumor predisposition; Hereditary neoplastic syndrome; Hereditary Cancer Syndrome; Neoplastic Syndromes, Hereditary. Identifiers: Orphanet 140162, MedGen C0027672, MeSH D009386, MONDO:0015356.

Submission:

Ambry Genetics
Classification: Uncertain significance for Hereditary cancer-predisposing syndrome. Last evaluated: 2023-12-15. Review status: criteria provided, single submitter. Criteria: Ambry Variant Classification Scheme 2023. Collection method: clinical testing. Allele origin: germline.
Comment: The p.S646R variant (also known as c.1936A>C), located in coding exon 7 of the BLM gene, results from an A to C substitution at nucleotide position 1936. The serine at codon 646 is replaced by arginine, an amino acid with dissimilar properties. This amino acid position is conserved. In addition, this alteration is predicted to be tolerated by in silico analysis. Since supporting evidence is limited at this time, the clinical significance of this alteration remains unclear.